The following is an entry in ClinVar:

NM_001040142.2(SCN2A):c.5514G>C (p.Gln1838His)

Gene: SCN2A (sodium voltage-gated channel alpha subunit 2; plus strand). Cytogenetic location: 2q24.3.
Variant type: single nucleotide variant.
Coding change: c.5514G>C on transcript NM_001040142.2 (MANE Select); coding-DNA position 5514, G replaced by C.
Protein change: p.Gln1838His; replaces glutamine 1838 with histidine.
Molecular consequence: missense variant.
Genome position (GRCh38, 1-based): chr2:165,389,320, G>C. VCF-style: chr2-165389320-G-C. GRCh37 (hg19) VCF-style: chr2-166245830-G-C.
Other names: p.Q1838H:CAG>CAC; c.5514G>C, p.Gln1838His (NM_001040143.2, NM_001371246.1, NM_001371247.1 and 1 more transcripts); short protein forms Q1838H.
Identifiers: ClinVar variation 207085 (VCV000207085.14), dbSNP rs547095921, ClinGen allele CA318199.
Genomic context (GRCh38, chr2:165,389,320, plus strand): 5'-TTCTGATTTTGCAGATGCCCTGGATCCTCCTCTTCTCATAGCAAAACCCAACAAAGTCCA[G>C]CTCATTGCCATGGATCTGCCCATGGTGAGTGGTGACCGGATCCACTGTCTTGACATCTTA-3'
Protein context (NP_001035232.1, residues 1828-1848): PLLIAKPNKV[Gln1838His]LIAMDLPMVS

ClinVar aggregate classification (germline): Uncertain significance. Review status: criteria provided, multiple submitters, no conflicts (2 of 4 stars). 2 submissions from 2 submitters: Uncertain significance (2). Last evaluated 2025-08-05.

Conditions:
Seizures, benign familial infantile, 3 (BFIS3). Also called: CONVULSIONS, BENIGN FAMILIAL INFANTILE, 3; Familial neonatal seizures. Identifiers: Orphanet 140927, Orphanet 306, MedGen C1843140, MONDO:0011904, OMIM 607745.
Developmental and epileptic encephalopathy, 11 (DEE11). Also called: Early infantile epileptic encephalopathy 11. Identifiers: Orphanet 1934, MedGen C3150987, MONDO:0013388, OMIM 613721.

Allele frequency attached by ClinVar (database versions not stated): gnomAD 0.00001; TOPMed 0.00001; ExAC 0.00002; 1000 Genomes Project 0.00020; 1000 Genomes Project 30x 0.00031.
gnomAD v4.1: 6 of 1,614,066 alleles (0.00037%); highest among the groups gnomAD compares: Admixed American, 0.01%; no homozygotes.

Submissions (2):

GeneDx
Classification: Uncertain significance. Last evaluated: 2025-08-05. Review status: criteria provided, single submitter. Criteria: GeneDx Variant Classification Process June 2021. Collection method: clinical testing. Allele origin: germline. Affected: yes.
Comment: Not observed at significant frequency in large population cohorts (gnomAD); In silico analysis supports that this missense variant has a deleterious effect on protein structure/function; This substitution is predicted to be within the C-terminal cytoplasmic domain; Has not been previously published as pathogenic or benign to our knowledge

Labcorp Genetics (formerly Invitae), Labcorp
Classification: Uncertain significance for Seizures, benign familial infantile, 3; Developmental and epileptic encephalopathy, 11. Last evaluated: 2024-11-25. Review status: criteria provided, single submitter. Criteria: Invitae Variant Classification Sherloc (09022015). Collection method: clinical testing. Allele origin: germline.
Comment: This sequence change replaces glutamine, which is neutral and polar, with histidine, which is basic and polar, at codon 1838 of the SCN2A protein (p.Gln1838His). This variant is present in population databases (rs547095921, gnomAD 0.003%). This variant has not been reported in the literature in individuals affected with SCN2A-related conditions. ClinVar contains an entry for this variant (Variation ID: 207085). Invitae Evidence Modeling of protein sequence and biophysical properties (such as structural, functional, and spatial information, amino acid conservation, physicochemical variation, residue mobility, and thermodynamic stability) indicates that this missense variant is expected to disrupt SCN2A protein function with a positive predictive value of 95%. In summary, the available evidence is currently insufficient to determine the role of this variant in disease. Therefore, it has been classified as a Variant of Uncertain Significance.